The following is an entry in ClinVar:

NM_022166.4(XYLT1):c.1533C>T (p.Asp511=)

Gene: XYLT1 (xylosyltransferase 1; minus strand). Cytogenetic location: 16p12.3.
Variant type: single nucleotide variant.
Coding change: c.1533C>T on transcript NM_022166.4 (MANE Select); coding-DNA position 1533, C replaced by T.
Protein change: p.Asp511=; no amino-acid change (aspartic acid 511 retained).
Molecular consequence: synonymous variant.
Genome position (GRCh38, 1-based): chr16:17,141,207, G>A on the plus strand (C>T on the coding strand, the complement: XYLT1 is on the minus strand). VCF-style: chr16-17141207-G-A. GRCh37 (hg19) VCF-style: chr16-17235064-G-A.
Identifiers: ClinVar variation 1591235 (VCV001591235.13), dbSNP rs760198193, ClinGen allele CA7927883.

ClinVar aggregate classification (germline): Likely benign. Review status: criteria provided, multiple submitters, no conflicts (2 of 4 stars). 3 submissions from 3 submitters: Likely benign (3). Last evaluated 2026-01-01.

Conditions:
Desbuquois dysplasia 1 (DBQD1). Also called: DESBUQUOIS DYSPLASIA 1, KIM VARIANT; MICROMELIC DWARFISM WITH VERTEBRAL AND METAPHYSEAL ABNORMALITIES AND ADVANCED CARPOTARSAL OSSIFICATION. Identifiers: Orphanet 1425, MedGen C4012146, MONDO:0009629, OMIM 251450.

Allele frequency attached by ClinVar (database versions not stated): gnomAD exomes 0.00002 and 0.00003; ExAC 0.00003; TOPMed 0.00005.
gnomAD v4.1: 38 of 1,614,078 alleles (0.0024%); highest among the groups gnomAD compares: East Asian, 0.0067%; no homozygotes.

Submissions (3):

CeGaT Center for Human Genetics Tuebingen
Classification: Likely benign. Last evaluated: 2026-01-01. Review status: criteria provided, single submitter. Criteria: CeGaT Center For Human Genetics Tuebingen Variant Classification Criteria Version 2. Collection method: clinical testing. Allele origin: germline. Affected: yes. Observed: 1 variant allele.
Comment: XYLT1: BP4, BP7

Labcorp Genetics (formerly Invitae), Labcorp
Classification: Likely benign for Desbuquois dysplasia 1. Last evaluated: 2024-10-16. Review status: criteria provided, single submitter. Criteria: Invitae Variant Classification Sherloc (09022015). Collection method: clinical testing. Allele origin: germline.

Blueprint Genetics
Classification: Likely benign. Last evaluated: 2023-09-08. Review status: criteria provided, single submitter. Criteria: ACMG Guidelines, 2015. Collection method: clinical testing. Allele origin: germline.